The following is an entry in ClinVar:

ClinVar aggregate classification (germline): Uncertain significance (1 of 4 stars; one submission).

gnomAD v4.1: 5 of 1,211,793 alleles (0.00041%); highest among the groups gnomAD compares: Non-Finnish European, 0.00056%; no homozygotes.

Submission:

Labcorp Genetics (formerly Invitae), Labcorp
Classification: Uncertain significance. Last evaluated: 2022-11-18. Review status: criteria provided, single submitter. Criteria: Invitae Variant Classification Sherloc (09022015). Collection method: clinical testing. Allele origin: germline.
Comment: This variant is not present in population databases (gnomAD no frequency). This variant has not been reported in the literature in individuals affected with HUWE1-related conditions. This sequence change replaces glutamine, which is neutral and polar, with histidine, which is basic and polar, at codon 2284 of the HUWE1 protein (p.Gln2284His). In summary, the available evidence is currently insufficient to determine the role of this variant in disease. Therefore, it has been classified as a Variant of Uncertain Significance. Advanced modeling of protein sequence and biophysical properties (such as structural, functional, and spatial information, amino acid conservation, physicochemical variation, residue mobility, and thermodynamic stability) has been performed at Invitae for this missense variant, however the output from this modeling did not meet the statistical confidence thresholds required to predict the impact of this variant on HUWE1 protein function.

NM_031407.7(HUWE1):c.6852A>C (p.Gln2284His)

Gene: HUWE1 (HECT, UBA and WWE domain containing E3 ubiquitin protein ligase 1; minus strand). Cytogenetic location: Xp11.22.
Variant type: single nucleotide variant.
Coding change: c.6852A>C on transcript NM_031407.7 (MANE Select); coding-DNA position 6852, A replaced by C.
Protein change: p.Gln2284His; replaces glutamine 2284 with histidine.
Molecular consequence: missense variant.
Genome position (GRCh38, 1-based): chrX:53,565,095, T>G on the plus strand (A>C on the coding strand, the complement: HUWE1 is on the minus strand). VCF-style: chrX-53565095-T-G. GRCh37 (hg19) VCF-style: chrX-53592056-T-G.
Other names: short protein forms Q2284H.
Identifiers: ClinVar variation 2815102 (VCV002815102.3), dbSNP rs782557931, ClinGen allele CA413162168.